The following is an entry in ClinVar:

NM_178857.6(RP1L1):c.602G>A (p.Gly201Glu)

Gene: RP1L1 (RP1 like 1). Cytogenetic location: 8p23.1.
Variant type: single nucleotide variant.
Coding change: c.602G>A on transcript NM_178857.6 (MANE Select); coding-DNA position 602, G replaced by A.
Protein change: p.Gly201Glu; replaces glycine 201 with glutamic acid.
Molecular consequence: missense variant.
Genome position (GRCh38, 1-based): chr8:10,622,600, C>T on the plus strand (G>A on the coding strand, the complement: RP1L1 is on the minus strand). VCF-style: chr8-10622600-C-T. GRCh37 (hg19) VCF-style: chr8-10480110-C-T.
Other names: short protein forms G201E.
Identifiers: ClinVar variation 1494657 (VCV001494657.6), dbSNP rs760475719, ClinGen allele CA4625627.
Genomic context (GRCh38, chr8:10,622,600, plus strand): 5'-GACCTCAGGTCTAAAGAACCTTTTCAAGGAACCGTCAGACCCCAACAGCCTACCTTTTTC[C>T]CGCTGGTCGTGTACAACTGCTTCACAGGAAAGCGCAGGAGATCTGAGGCTTTGCCGAGAA-3'
Protein context (NP_849188.4, residues 191-211): FPVKQLYTTS[Gly201Glu]KKVDSLQALL

ClinVar aggregate classification (germline): Uncertain significance (1 of 4 stars; one submission).

Allele frequency attached by ClinVar (database versions not stated): gnomAD exomes below 0.00001; ExAC 0.00001.

Submission:

Labcorp Genetics (formerly Invitae), Labcorp
Classification: Uncertain significance. Last evaluated: 2024-10-23. Review status: criteria provided, single submitter. Criteria: Invitae Variant Classification Sherloc (09022015). Collection method: clinical testing. Allele origin: germline.
Comment: This sequence change replaces glycine, which is neutral and non-polar, with glutamic acid, which is acidic and polar, at codon 201 of the RP1L1 protein (p.Gly201Glu). The frequency data for this variant in the population databases is considered unreliable, as metrics indicate poor data quality at this position in the gnomAD database. This variant has not been reported in the literature in individuals affected with RP1L1-related conditions. ClinVar contains an entry for this variant (Variation ID: 1494657). Invitae Evidence Modeling of protein sequence and biophysical properties (such as structural, functional, and spatial information, amino acid conservation, physicochemical variation, residue mobility, and thermodynamic stability) has been performed for this missense variant. However, the output from this modeling did not meet the statistical confidence thresholds required to predict the impact of this variant on RP1L1 protein function. In summary, the available evidence is currently insufficient to determine the role of this variant in disease. Therefore, it has been classified as a Variant of Uncertain Significance.